The following is an entry in ClinVar:

NM_206933.4(USH2A):c.1447A>G (p.Thr483Ala)

Gene: USH2A (usherin; minus strand). Cytogenetic location: 1q41.
Variant type: single nucleotide variant.
Coding change: c.1447A>G on transcript NM_206933.4 (MANE Select); coding-DNA position 1447, A replaced by G.
Protein change: p.Thr483Ala; replaces threonine 483 with alanine.
Molecular consequence: missense variant.
Genome position (GRCh38, 1-based): chr1:216,323,577, T>C on the plus strand (A>G on the coding strand, the complement: USH2A is on the minus strand). VCF-style: chr1-216323577-T-C. GRCh37 (hg19) VCF-style: chr1-216496919-T-C.
Other names: c.1447A>G, p.Thr483Ala (NM_007123.6); short protein forms T483A.
Identifiers: ClinVar variation 2155835 (VCV002155835.1), dbSNP rs2527433970, ClinGen allele CA344909979.

ClinVar aggregate classification (germline): Uncertain significance (1 of 4 stars; one submission).

Allele frequency attached by ClinVar (database versions not stated): gnomAD exomes below 0.00001.
gnomAD v4.1: 2 of 1,613,646 alleles (0.00012%); highest among the groups gnomAD compares: Admixed American, 0.0033%; no homozygotes.

Submission:

Labcorp Genetics (formerly Invitae), Labcorp
Classification: Uncertain significance. Last evaluated: 2022-08-08. Review status: criteria provided, single submitter. Criteria: Invitae Variant Classification Sherloc (09022015). Collection method: clinical testing. Allele origin: germline.
Comment: This sequence change replaces threonine, which is neutral and polar, with alanine, which is neutral and non-polar, at codon 483 of the USH2A protein (p.Thr483Ala). This variant is not present in population databases (gnomAD no frequency). This variant has not been reported in the literature in individuals affected with USH2A-related conditions. Algorithms developed to predict the effect of missense changes on protein structure and function are either unavailable or do not agree on the potential impact of this missense change (SIFT: "Deleterious"; PolyPhen-2: "Benign"; Align-GVGD: "Class C55"). In summary, the available evidence is currently insufficient to determine the role of this variant in disease. Therefore, it has been classified as a Variant of Uncertain Significance.